The following is an entry in ClinVar:

ClinVar aggregate classification (germline): Conflicting classifications of pathogenicity. Review status: criteria provided, conflicting classifications (1 of 4 stars). 2 submissions from 2 submitters: Uncertain significance (1); Likely benign (1). Last evaluated 2026-01-14.

Conditions:
Autosomal recessive severe congenital neutropenia due to CSF3R deficiency. Also called: Neutropenia, severe congenital, 7, autosomal recessive. Identifiers: Orphanet 420702, MedGen C4310764, MONDO:0014865, OMIM 617014.

Allele frequency attached by ClinVar (database versions not stated): gnomAD 0.00009; TOPMed 0.00011; ExAC 0.00018.
gnomAD v4.1: 232 of 1,614,058 alleles (0.014%); highest among the groups gnomAD compares: East Asian, 0.15%; no homozygotes.

Submissions (2):

Labcorp Genetics (formerly Invitae), Labcorp
Classification: Uncertain significance for Autosomal recessive severe congenital neutropenia due to CSF3R deficiency. Last evaluated: 2026-01-14. Review status: criteria provided, single submitter. Criteria: Invitae Variant Classification Sherloc (09022015). Collection method: clinical testing. Allele origin: germline.
Comment: This sequence change replaces glycine, which is neutral and non-polar, with arginine, which is basic and polar, at codon 366 of the CSF3R protein (p.Gly366Arg). The frequency data for this variant in the population databases is considered unreliable, as metrics indicate poor data quality at this position in the gnomAD database. This variant has not been reported in the literature in individuals affected with CSF3R-related conditions. ClinVar contains an entry for this variant (Variation ID: 1412899). Invitae Evidence Modeling of protein sequence and biophysical properties (such as structural, functional, and spatial information, amino acid conservation, physicochemical variation, residue mobility, and thermodynamic stability) indicates that this missense variant is not expected to disrupt CSF3R protein function with a negative predictive value of 80%. In summary, the available evidence is currently insufficient to determine the role of this variant in disease. Therefore, it has been classified as a Variant of Uncertain Significance.

Mayo Clinic Laboratories, Mayo Clinic
Classification: Likely benign. Last evaluated: 2025-06-18. Review status: criteria provided, single submitter. Criteria: ACMG Guidelines, 2015. Collection method: clinical testing. Allele origin: germline. Observed: 2 variant alleles.
Comment: BS1, BP4

NM_000760.4(CSF3R):c.1096G>A (p.Gly366Arg)

Gene: CSF3R (colony stimulating factor 3 receptor; minus strand). Cytogenetic location: 1p34.3.
Variant type: single nucleotide variant.
Coding change: c.1096G>A on transcript NM_000760.4 (MANE Select); coding-DNA position 1096, G replaced by A.
Protein change: p.Gly366Arg; replaces glycine 366 with arginine.
Molecular consequence: missense variant.
Genome position (GRCh38, 1-based): chr1:36,471,622, C>T on the plus strand (G>A on the coding strand, the complement: CSF3R is on the minus strand). VCF-style: chr1-36471622-C-T. GRCh37 (hg19) VCF-style: chr1-36937223-C-T.
Other names: p.Gly366Arg; c.1096G>A, p.Gly366Arg (NM_156039.3, NM_172313.3); short protein forms G366R.
Identifiers: ClinVar variation 1412899 (VCV001412899.7), dbSNP rs768170625, ClinGen allele CA769276.